The following is an entry in ClinVar:

ClinVar aggregate classification (germline): Likely benign (1 of 4 stars; one submission).

Submission:

Laboratory for Molecular Medicine, Mass General Brigham Personalized Medicine
Classification: Likely benign. Last evaluated: 2013-03-26. Review status: criteria provided, single submitter. Criteria: LMM Criteria. Collection method: clinical testing. Allele origin: germline. Observed: 2 variant alleles.
Comment: Lys46Lys in exon 1A of TPM1: This variant is not expected to have clinical signi ficance because it does not alter an amino acid residue and is not located withi n the splice consensus sequence. It has been identified in 1/128 Mexican chromos omes by the 1000 Genomes Project (dbSNP rs200509525). Lys46Lys in exon 1A of TP M1 (rs200509525; allele frequency = 1/128)

NM_001018005.2(TPM1):c.115-298G>A

Gene: TPM1 (tropomyosin 1; plus strand). Cytogenetic location: 15q22.2.
Variant type: single nucleotide variant.
Coding change: c.115-298G>A on transcript NM_001018005.2 (MANE Select); 298 bases into the intron before coding-DNA position 115, G replaced by A.
Molecular consequence: intron variant. On other transcripts: synonymous variant (4).
Genome position (GRCh38, 1-based): chr15:63,043,729, G>A. VCF-style: chr15-63043729-G-A. GRCh37 (hg19) VCF-style: chr15-63335928-G-A.
Other names: c.138G>A, p.Lys46= (NM_001018007.2, NM_001018020.2, NM_001301244.2 and 1 more transcripts); c.115-298G>A (NM_001018006.2, NM_001365776.1, NM_001018004.2 and 3 more transcripts).
Identifiers: ClinVar variation 178826 (VCV000178826.5), dbSNP rs786205439, ClinGen allele CA018623.